The following is an entry in ClinVar:

NM_000152.5(GAA):c.1327-2A>G

Gene: GAA (alpha glucosidase; plus strand). Cytogenetic location: 17q25.3.
Variant type: single nucleotide variant.
Coding change: c.1327-2A>G on transcript NM_000152.5 (MANE Select); the canonical splice acceptor site of the intron before coding-DNA position 1327, A replaced by G.
Molecular consequence: splice acceptor variant.
Genome position (GRCh38, 1-based): chr17:80,109,943, A>G. VCF-style: chr17-80109943-A-G. GRCh37 (hg19) VCF-style: chr17-78083742-A-G.
Other names: c.1327-2A>G (NM_000152.4, NM_000152.3, NM_001406741.1 and 3 more transcripts).
Identifiers: ClinVar variation 972762 (VCV000972762.17), dbSNP rs1410829147, ClinGen allele CA401366177.

ClinVar aggregate classification (germline): Pathogenic. Review status: reviewed by expert panel (3 of 4 stars). 10 submissions from 10 submitters: Pathogenic (1). 9 of the submissions do not count toward it. Last evaluated 2024-09-17.

Conditions:
Glycogen storage disease, type II (IOPD). Also called: Glycogen storage disease type 2; Acid maltase deficiency disease; Aglucosidase alfa; Deficiency of alpha-glucosidase; Deficiency of lysosomal alpha-glucosidase; Glucosidase acid-1,4-alpha deficiency. Identifiers: Orphanet 365, MedGen C0017921, MONDO:0009290, OMIM 232300.

Allele frequency attached by ClinVar (database versions not stated): gnomAD 0.00001.

Submissions (10):

ClinGen Lysosomal Storage Disorder Variant Curation Expert Panel
Classification: Pathogenic for Glycogen storage disease, type II. Last evaluated: 2024-09-17. Review status: reviewed by expert panel. Criteria: clingen_lsd_acmg_specifications_v2-1. Collection method: curation. Allele origin: germline. Inheritance: Autosomal recessive inheritance.
Comment: The NM_000152.5:c.1327-2A>G variant in GAA occurs within the canonical splice acceptor site of intron 8. It is predicted to cause skipping of biologically-relevant-exon 9 (GAA has 20 exons) resulting in an in-frame deletion of 37 amino acids (amino acids 443-479; ~3.9% of the protein) which forms part of the GAA catalytic barrel (Kroos et al, 2012, PMID 22253258; Deming et al, 2017; DOI 10.1101/212837). As expected, SpliceAI predicts that the variant will obliterate the normal splice acceptor site (score= 0.99). However, SpliceAI also predicts a possible acceptor gain 16 bp upstream from the normal splice site (score= 0.79). If this site were to be used when the normal acceptor site is broken, a frameshift is predicted. However, the report that an individual who is homozygous for this variant and is CRIM-positive is consistent with an in frame deletion (PMID 22252923). PVS1_Strong is applied, based on the specifications of the ClinGen LD VCEP due to predicted loss of an exon that includes a critical region of the protein (PVS1_Strong). At least three probands and a sibling with infantile onset Pompe disease have been reported with this variant and documented GAA activity in the affected range. Two of them were on enzyme replacement therapy; follow up was reported for one patient with clinical improvement (PMID 19067231, 20821053, 31510962). In addition, one individual, identified in a clinical laboratory, is compound heterozygous for the variant and pseudodeficiency variants were shown to be absent (PP4_Moderate). This variant was found in homozygosity in at least two individuals of Emirati origin (PMIDs 19067231, 20821053, 23430803, 24273659, 29122469) (max 2 x 0.5 points allowed for homozygous individuals = 1 point). In addition, an individual has been reported who is compound heterozygous for the variant and another variant in GAA phase unconfirmed, that has been classified as pathogenic by the ClinGen LD VCEP (clinical laboratory data) (0.5 points); and another individual is compound heterozygous for the variant confirmed in trans with c.1437G>C (p.Lys479Asn) (likely pathogenic without use of allelic data from the patient to avoid circular logic) (1 point). Total 2.5 points (PM3_Strong). The highest population minor allele frequency in gnomAD v2.1.1 is 0.0002297 (2/8708 alleles) in the African / African American population, which is lower than the ClinGen LD VCEP's threshold (<0.001) for PM2_Supporting, meeting this criterion (PM2_Supporting). There is a ClinVar entry for this variant (Variation ID: 972762). In summary, this variant meets the criteria to be classified as pathogenic for Pompe disease. GAA-specific ACMG/AMP criteria applied, as specified by the ClinGen Lysosomal Diseases Variant Curation Expert Panel (Specifications Version 2.0): PVS1_Strong, PM3_Strong, PP4_Moderate, PM2_Supporting. (Classification approved by the ClinGen Lysosomal Diseases Variant Curation Expert Panel on September 17, 2024).

Genomenon, Inc
Classification: Likely pathogenic for Glycogen storage disease, type II. Last evaluated: 2026-07-01. Review status: criteria provided, single submitter. Criteria: Genomenon Sequence Variant Interpretation Standards - Updated. Collection method: curation. Allele origin: germline. Affected: yes. Not counted in ClinVar's aggregate classification.
Comment: GAA c.1327-2A>G is a canonical splice variant affecting the acceptor splice site of intron 8. It is predicted to affect mRNA splicing, leading to a deleterious effect on the GAA protein. This variant has been observed in at least one proband with a GAA-related disorder in the compound heterozygous and/or homozygous state (PMID:31899940;31510962;20821053;19067231;24273659). It is absent or not present at a significant frequency in gnomAD. In conclusion, we classify GAA c.1327-2A>G as a likely pathogenic variant.

Labcorp Genetics (formerly Invitae), Labcorp
Classification: Pathogenic for Glycogen storage disease, type II. Last evaluated: 2025-12-21. Review status: criteria provided, single submitter. Criteria: Invitae Variant Classification Sherloc (09022015). Collection method: clinical testing. Allele origin: germline. Not counted in ClinVar's aggregate classification.
Comment: This sequence change affects an acceptor splice site in intron 8 of the GAA gene. It is expected to disrupt RNA splicing. Variants that disrupt the donor or acceptor splice site typically lead to a loss of protein function (PMID: 16199547), and loss-of-function variants in GAA are known to be pathogenic (PMID: 18425781, 22252923). This variant is present in population databases (no rsID available, gnomAD 0.02%). Disruption of this splice site has been observed in individuals with infantile onset Pompe disease (PMID: 31510962, 38184429). ClinVar contains an entry for this variant (Variation ID: 972762). Algorithms developed to predict the effect of sequence changes on RNA splicing suggest that this variant may disrupt the consensus splice site. For these reasons, this variant has been classified as Pathogenic.

Dubai Health Genomic Medicine Center, Dubai Health
Classification: Pathogenic for Glycogen storage disease II. Last evaluated: 2024-10-04. Review status: criteria provided, single submitter. Criteria: ACMG Guidelines, 2015. Collection method: research. Allele origin: germline. Affected: yes. Not counted in ClinVar's aggregate classification.
Comment: PVS1_Strong, PM2, PM3, PP1

Fulgent Genetics
Classification: Likely pathogenic for Glycogen storage disease, type II. Last evaluated: 2024-05-22. Review status: criteria provided, single submitter. Criteria: ACMG Guidelines, 2015. Collection method: clinical testing. Allele origin: germline. Not counted in ClinVar's aggregate classification.

Laboratory for Molecular Medicine, Mass General Brigham Personalized Medicine
Classification: Pathogenic for Glycogen storage disease, type II. Last evaluated: 2022-11-03. Review status: criteria provided, single submitter. Criteria: ACMG Guidelines, 2015. Collection method: clinical testing. Allele origin: germline. Not counted in ClinVar's aggregate classification.
Comment: The c.1327-2A>G variant in GAA has been reported in at least 3 homozygous and 6 compound heterozygous individuals with glycogen storage disease and segregated with the phenotype in at least one family member (Mori 2017 PMID: 29122469, Alansari 2013 PMID: 24273659, 23430803, Hamdan 2008 PMID: 19067231, Kroos 2008 PMID: 18425781). It was classified as Pathogenic on June 16, 2020 by the ClinGen Lysosomal Storage Disorder Variant Curation Expert Panel (Variation ID 972762). It has also been identified in 2/41448 of African chromosomes by gnomAD. This variant occurs in the invariant region (+/- 1/2) of the splice consensus sequence and is predicted to cause altered splicing leading to an abnormal or absent protein. This variant likely results in skipping of exon 9, resulting in an in-frame deletion of 37 amino acids and lack part of the GAA catalytic barrel (Kroos 2012, PMID 22253258; Deming 2017; DOI 10.1101/212837). GAA enzyme activity in lymphocytes of individual homozygous for the variant support an impact on protein function (Hamdan 2008 PMID: 19067231). Loss of function of the GAA gene is an established disease mechanism in autosomal recessive glycogen storage disease II. In summary, this variant meets criteria to be classified as pathogenic for autosomal recessive glycogen storage disease II. ACMG/AMP Criteria applied: PM3_Strong, PM2_Supporting, PS3_Strong, PM4.

Baylor Genetics
Classification: Pathogenic for Glycogen storage disease, type II. Last evaluated: 2022-04-02. Review status: criteria provided, single submitter. Criteria: ACMG Guidelines, 2015. Collection method: clinical testing. Allele origin: unknown. Not counted in ClinVar's aggregate classification.

Women's Health and Genetics/Laboratory Corporation of America, LabCorp
Classification: Pathogenic for Glycogen storage disease, type II. Last evaluated: 2022-02-01. Review status: criteria provided, single submitter. Criteria: LabCorp Variant Classification Summary - May 2015. Collection method: clinical testing. Allele origin: germline. Not counted in ClinVar's aggregate classification.
Comment: Variant summary: GAA c.1327-2A>G is located in a canonical splice-site and is predicted to affect mRNA splicing resulting in a significantly altered protein due to either exon skipping, shortening, or inclusion of intronic material. Several computational tools predict a significant impact on normal splicing: Four predict the variant abolishes a canonical 3 prime acceptor site. The variant was absent in 250154 control chromosomes (gnomAD). c.1327-2A>G has been reported in the literature in multiple homozygous individuals affected with Glycogen Storage Disease, Type 2 (Pompe Disease) and segregated with the disease (examples: Al-Jasmi_2012 and Hamdan_2008). Hamdan_2008 demonstarted that GAA activity for the homozygous twin 1 was less than 10% of normal range (lymphocytes). These data indicate that the variant is very likely to be associated with disease. Three clinical diagnostic laboratories have submitted clinical-significance assessments for this variant to ClinVar after 2014 and classified the variant as pathogenic (n=2, including one expert panel: ClinGen Lysosomal Storage Disorder Variant Curation Expert Panel) and likely pathogenic (n=1). Based on the evidence outlined above, the variant was classified as pathogenic.

Revvity Omics, Revvity
Classification: Pathogenic. Last evaluated: 2020-05-22. Review status: criteria provided, single submitter. Criteria: ACMG Guidelines, 2015. Collection method: clinical testing. Allele origin: germline. Not counted in ClinVar's aggregate classification.

Broad Center for Mendelian Genomics, Broad Institute of MIT and Harvard
Classification: Likely pathogenic for Glycogen storage disease, type II. Last evaluated: 2020-01-22. Review status: criteria provided, single submitter. Criteria: ACMG Guidelines, 2015. Collection method: curation. Allele origin: germline. Inheritance: Autosomal recessive inheritance. Not counted in ClinVar's aggregate classification.
Comment: The c.1327-2A>G variant in GAA has been reported in at least 9 individuals with glycogen storage disease (PMID: 29122469, 24273659, 23430803, 19067231, 18425781) and has been Identified in 0.023% (2/8708) of African chromosomes by the Genome Aggregation Database (gnomAD; dbSNP rs1410829147). Although this variant has been seen in the general population, its frequency is low enough to be consistent with a recessive carrier frequency. This variant occurs in the invariant region (+/- 1/2) of the splice consensus sequence and is predicted to cause altered splicing leading to an abnormal or absent protein. Loss of function of the GAA gene is an established disease mechanism in autosomal recessive glycogen storage disease. The phenotype of an individual homozygous for this variant is highly specific for glycogen storage disease based on GAA enzyme activity in lymphocytes being <10% of wild type, consistent with disease (PMID: 19067231). Homozygous occurrence of this variant has been seen in three individuals with glycogen storage disease (PMID: 29122469, 24273659, 19067231), slightly supporting c.1327-2A>G as pathogenic. In summary, although additional studies are required to fully establish its clinical significance, this variant is likely pathogenic. ACMG/AMP Criteria applied: PVS1_strong, PM3_supporting, PM2, PP4 (Richards 2015).

Literature cited by the submitters: PubMed 31899940 (cited by Genomenon, Inc); PubMed 31510962 (cited by Genomenon, Inc and Labcorp Genetics (formerly Invitae), Labcorp); PubMed 20821053 (cited by Genomenon, Inc); PubMed 19067231 (cited by 3 submitters); PubMed 24273659 (cited by Genomenon, Inc and Broad Center for Mendelian Genomics, Broad Institute of MIT and Harvard); PubMed 16199547 (cited by Labcorp Genetics (formerly Invitae), Labcorp); PubMed 18425781 (cited by Labcorp Genetics (formerly Invitae), Labcorp); PubMed 22252923 (cited by Labcorp Genetics (formerly Invitae), Labcorp); PubMed 38184429 (cited by Labcorp Genetics (formerly Invitae), Labcorp); PubMed 20437613 (cited by Women's Health and Genetics/Laboratory Corporation of America, LabCorp); PubMed 29122469 (cited by Broad Center for Mendelian Genomics, Broad Institute of MIT and Harvard).